The following is an entry in ClinVar:

NM_003579.4(RAD54L):c.751A>G (p.Ile251Val)

Gene: RAD54L (RAD54 like; plus strand). Cytogenetic location: 1p34.1.
Variant type: single nucleotide variant.
Coding change: c.751A>G on transcript NM_003579.4 (MANE Select); coding-DNA position 751, A replaced by G.
Protein change: p.Ile251Val; replaces isoleucine 251 with valine.
Molecular consequence: missense variant.
Genome position (GRCh38, 1-based): chr1:46,261,000, A>G. VCF-style: chr1-46261000-A-G. GRCh37 (hg19) VCF-style: chr1-46726672-A-G.
Other names: c.751A>G, p.Ile251Val (NM_001142548.2); c.211A>G, p.Ile71Val (NM_001370766.1); short protein forms I71V, I251V.
Identifiers: ClinVar variation 2625149 (VCV002625149.2), dbSNP rs2525670518, ClinGen allele CA340187984.
Genomic context (GRCh38, chr1:46,261,000, plus strand): 5'-GGGAAATGGCTCGGAGGGAGGATCCAACCTCTGGCCATCGATGGAGGATCTAAGGATGAA[A>G]TAGACCAAAAGCTGGGTACGGAGCCCTAACAAAGATGGCTGCACTCTCCTGCACAGCCTG-3'
Protein context (NP_003570.2, residues 241-261): LAIDGGSKDE[Ile251Val]DQKLEGFMNQ

ClinVar aggregate classification (germline): Uncertain significance (1 of 4 stars; one submission).

Submission:

Ambry Genetics
Classification: Uncertain significance. Last evaluated: 2023-07-08. Review status: criteria provided, single submitter. Criteria: Ambry Variant Classification Scheme 2023. Collection method: clinical testing. Allele origin: germline.
Comment: The p.I251V variant (also known as c.751A>G), located in coding exon 7 of the RAD54L gene, results from an A to G substitution at nucleotide position 751. The isoleucine at codon 251 is replaced by valine, an amino acid with highly similar properties. This amino acid position is conserved. In addition, the in silico prediction for this alteration is inconclusive. Since supporting evidence is limited at this time, the clinical significance of this alteration remains unclear.